The following is an entry in ClinVar:

ClinVar aggregate classification (germline): Pathogenic. Review status: criteria provided, multiple submitters, no conflicts (2 of 4 stars). 3 submissions from 3 submitters: Pathogenic (3). Last evaluated 2023-01-03.

Conditions:
X-linked agammaglobulinemia (XLA). Also called: Agammaglobulinemia, Bruton tyrosine kinase; Agammaglobulinemia, BTK; BTK-deficiency; IMMUNODEFICIENCY 1; Bruton's agammaglobulinemia; AGAMMAGLOBULINEMIA, X-LINKED, TYPE 1. Identifiers: Orphanet 229717, Orphanet 47, MedGen C0221026, MONDO:0010421, OMIM 300755.
X-linked agammaglobulinemia with growth hormone deficiency (IGHD3). Also called: AGAMMAGLOBULINEMIA AND ISOLATED GROWTH HORMONE DEFICIENCY, X-LINKED; ISOLATED GROWTH HORMONE DEFICIENCY, TYPE III, WITH AGAMMAGLOBULINEMIA; FLEISHER SYNDROME; HYPOGAMMAGLOBULINEMIA AND ISOLATED GROWTH HORMONE DEFICIENCY, X-LINKED; IGHD III; Isolated growth hormone deficiency type 3. Identifiers: Orphanet 231692, Orphanet 631, MedGen C0472813, MONDO:0010615, OMIM 307200.

Submissions (3):

Diagnostic Genetics, Severance Hospital, Yonsei University College of Medicine
Classification: Pathogenic for X-linked agammaglobulinemia. Last evaluated: 2023-01-03. Review status: criteria provided, single submitter. Criteria: ACMG Guidelines, 2015. Collection method: clinical testing. Allele origin: germline. Affected: yes.

Labcorp Genetics (formerly Invitae), Labcorp
Classification: Pathogenic for X-linked agammaglobulinemia with growth hormone deficiency. Last evaluated: 2020-12-10. Review status: criteria provided, single submitter. Criteria: Invitae Variant Classification Sherloc (09022015). Collection method: clinical testing. Allele origin: germline.
Comment: Advanced modeling of protein sequence and biophysical properties (such as structural, functional, and spatial information, amino acid conservation, physicochemical variation, residue mobility, and thermodynamic stability) performed at Invitae indicates that this missense variant is expected to disrupt BTK protein function. This sequence change replaces glycine with arginine at codon 594 of the BTK protein (p.Gly594Arg). The glycine residue is highly conserved and there is a moderate physicochemical difference between glycine and arginine. This variant is not present in population databases (ExAC no frequency). This variant has been observed in individual(s) with agammaglobulinemia (PMID: 12217331, 14974089). It is also known as c.1912G>A. ClinVar contains an entry for this variant (Variation ID: 439452). This variant disrupts the p.Gly594 amino acid residue in BTK. Other variant(s) that disrupt this residue have been observed in individuals with BTK-related conditions (PMID: 12217331), which suggests that this may be a clinically significant amino acid residue. For these reasons, this variant has been classified as Pathogenic.

ARUP Laboratories, Molecular Genetics and Genomics, ARUP Laboratories
Classification: Pathogenic. Last evaluated: 2016-12-15. Review status: criteria provided, single submitter. Criteria: ARUP Molecular Germline Variant Investigation Process. Collection method: clinical testing. Allele origin: germline.

Literature cited by the submitters: PubMed 12217331 (cited by Labcorp Genetics (formerly Invitae), Labcorp); PubMed 14974089 (cited by Labcorp Genetics (formerly Invitae), Labcorp).

NM_000061.3(BTK):c.1780G>A (p.Gly594Arg)

Gene: BTK (Bruton tyrosine kinase; minus strand). Cytogenetic location: Xq22.1.
Variant type: single nucleotide variant.
Coding change: c.1780G>A on transcript NM_000061.3 (MANE Select); coding-DNA position 1780, G replaced by A.
Protein change: p.Gly594Arg; replaces glycine 594 with arginine.
Molecular consequence: missense variant.
Genome position (GRCh38, 1-based): chrX:101,353,322, C>T on the plus strand (G>A on the coding strand, the complement: BTK is on the minus strand). VCF-style: chrX-101353322-C-T. GRCh37 (hg19) VCF-style: chrX-100608310-C-T.
Other names: c.1882G>A, p.Gly628Arg (NM_001287344.2); c.1252G>A, p.Gly418Arg (NM_001287345.2); c.1780G>A (NM_000061.2); short protein forms G594R, G628R, G418R.
Identifiers: ClinVar variation 439452 (VCV000439452.16), dbSNP rs1555977339, ClinGen allele CA413919441.